The following is an entry in ClinVar:

NM_000264.5(PTCH1):c.3484C>T (p.Leu1162Phe)

Gene: PTCH1 (patched 1; minus strand). Cytogenetic location: 9q22.32.
Variant type: single nucleotide variant.
Coding change: c.3484C>T on transcript NM_000264.5 (MANE Select); coding-DNA position 3484, C replaced by T.
Protein change: p.Leu1162Phe; replaces leucine 1162 with phenylalanine.
Molecular consequence: missense variant. On other transcripts: non-coding transcript variant (1).
Genome position (GRCh38, 1-based): chr9:95,449,906, G>A on the plus strand (C>T on the coding strand, the complement: PTCH1 is on the minus strand). VCF-style: chr9-95449906-G-A. GRCh37 (hg19) VCF-style: chr9-98212188-G-A.
Other names: c.3286C>T, p.Leu1096Phe (NM_001083602.3); c.3481C>T, p.Leu1161Phe (NM_001083603.3); c.3031C>T, p.Leu1011Phe (NM_001083604.3, NM_001083605.3, NM_001083606.3 and 1 more transcripts); c.3328C>T, p.Leu1110Phe (NM_001354918.2); c.3484C>T (NM_000264.3); short protein forms L1011F, L1161F, L1096F, L1162F, L1110F.
Identifiers: ClinVar variation 1429049 (VCV001429049.10), dbSNP rs2136608105, ClinGen allele CA374111564.
Genomic context (GRCh38, chr9:95,449,906, plus strand): 5'-GATATGGTCCAAAGAAAGACAAAAGCACGGGAAGCAAAACCAGCCCATTGAGAACGCCGA[G>A]GATGGTGAGGATCGCCAGCACAGCAAAGAAATACCTGGGAGATCAAGAGGAAACGGGAAC-3'
Protein context (NP_000255.2, residues 1152-1172): FFAVLAILTI[Leu1162Phe]GVLNGLVLLP

ClinVar aggregate classification (germline): Uncertain significance. Review status: criteria provided, multiple submitters, no conflicts (2 of 4 stars). 3 submissions from 3 submitters: Uncertain significance (3). Last evaluated 2025-09-26.

Conditions:
Hereditary cancer-predisposing syndrome. Also called: Hereditary neoplastic syndrome; Tumor predisposition; Hereditary Cancer Syndrome; Neoplastic Syndromes, Hereditary. Identifiers: Orphanet 140162, MedGen C0027672, MeSH D009386, MONDO:0015356.
Gorlin syndrome. Also called: Nevoid Basal Cell Carcinoma Syndrome; Basal cell nevus syndrome. Identifiers: Orphanet 377, MedGen C0004779, MONDO:0007187.

Submissions (3):

Ambry Genetics
Classification: Uncertain significance for Hereditary cancer-predisposing syndrome. Last evaluated: 2025-09-26. Review status: criteria provided, single submitter. Criteria: Ambry Variant Classification Scheme 2023. Collection method: clinical testing. Allele origin: germline.
Comment: The p.L1162F variant (also known as c.3484C>T), located in coding exon 21 of the PTCH1 gene, results from a C to T substitution at nucleotide position 3484. The leucine at codon 1162 is replaced by phenylalanine, an amino acid with highly similar properties. This amino acid position is conserved. In addition, this alteration is predicted to be deleterious by in silico analysis. Based on the available evidence, the clinical significance of this variant remains unclear.

GeneDx
Classification: Uncertain significance. Last evaluated: 2024-07-11. Review status: criteria provided, single submitter. Criteria: GeneDx Variant Classification Process June 2021. Collection method: clinical testing. Allele origin: germline. Affected: yes.
Comment: Not observed at significant frequency in large population cohorts (gnomAD); In silico analysis indicates that this missense variant does not alter protein structure/function; Has not been previously published as pathogenic or benign to our knowledge

Labcorp Genetics (formerly Invitae), Labcorp
Classification: Uncertain significance for Gorlin syndrome. Last evaluated: 2022-09-19. Review status: criteria provided, single submitter. Criteria: Invitae Variant Classification Sherloc (09022015). Collection method: clinical testing. Allele origin: germline.
Comment: Advanced modeling of protein sequence and biophysical properties (such as structural, functional, and spatial information, amino acid conservation, physicochemical variation, residue mobility, and thermodynamic stability) performed at Invitae indicates that this missense variant is not expected to disrupt PTCH1 protein function. ClinVar contains an entry for this variant (Variation ID: 1429049). This variant has not been reported in the literature in individuals affected with PTCH1-related conditions. This variant is not present in population databases (gnomAD no frequency). This sequence change replaces leucine, which is neutral and non-polar, with phenylalanine, which is neutral and non-polar, at codon 1162 of the PTCH1 protein (p.Leu1162Phe). In summary, the available evidence is currently insufficient to determine the role of this variant in disease. Therefore, it has been classified as a Variant of Uncertain Significance.